The following is an entry in ClinVar:

ClinVar aggregate classification (germline): Benign/Likely benign. Review status: criteria provided, multiple submitters, no conflicts (2 of 4 stars). 11 submissions from 10 submitters: Benign (6); Likely benign (2). 3 of the submissions do not count toward it. Last evaluated 2026-02-03.

Conditions:
Emery-Dreifuss muscular dystrophy 4, autosomal dominant (EDMD4). Also called: EMERY-DREIFUSS MUSCULAR DYSTROPHY 4 WITH VARIABLE FEATURES. Identifiers: Orphanet 261, MedGen C2751807, MONDO:0013071, OMIM 612998.
Autosomal recessive ataxia, Beauce type. Also called: SYNE1-Related Autosomal Recessive Cerebellar Ataxia; ATAXIA, RECESSIVE, OF BEAUCE; Spinocerebellar ataxia, autosomal recessive 8; SYNE1 Deficiency. Identifiers: Orphanet 88644, MedGen C1853116, MONDO:0012549, OMIM 610743.

Allele frequency attached by ClinVar (database versions not stated): gnomAD exomes 0.05336 and 0.06464; ESP Exome Variant Server 0.13302; ExAC 0.06773; 1000 Genomes Project 30x 0.12164; gnomAD 0.11250; 1000 Genomes Project 0.11562; TOPMed 0.13190.
gnomAD v4.1: 97,119 of 1,613,862 alleles (6%); highest among the groups gnomAD compares: African/African-American, 29%; 5,404 homozygotes.

Submissions (11):

Labcorp Genetics (formerly Invitae), Labcorp
Classification: Benign for Emery-Dreifuss muscular dystrophy 4, autosomal dominant; Autosomal recessive ataxia, Beauce type. Last evaluated: 2026-02-03. Review status: criteria provided, single submitter. Criteria: Invitae Variant Classification Sherloc (09022015). Collection method: clinical testing. Allele origin: germline.

Athena Diagnostics
Classification: Benign. Last evaluated: 2018-11-02. Review status: criteria provided, single submitter. Criteria: Athena Diagnostics Criteria. Collection method: clinical testing. Allele origin: germline.

Illumina Laboratory Services, Illumina
Classification: Benign for Autosomal recessive ataxia, Beauce type. Last evaluated: 2018-01-13. Review status: criteria provided, single submitter. Criteria: ICSL Variant Classification Criteria 13 December 2019. Collection method: clinical testing. Allele origin: germline.
Comment: This variant was observed in the ICSL laboratory as part of a predisposition screen in an ostensibly healthy population. It had not been previously curated by ICSL or reported in the Human Gene Mutation Database (HGMD: prior to June 1st, 2018), and was therefore a candidate for classification through an automated scoring system. Utilizing variant allele frequency, disease prevalence and penetrance estimates, and inheritance mode, an automated score was calculated to assess if this variant is too frequent to cause the disease. Based on the score and internal cut-off values, a variant classified as benign is not then subjected to further curation. The score for this variant resulted in a classification of benign for this disease.

Illumina Laboratory Services, Illumina
Classification: Benign for Emery-Dreifuss muscular dystrophy 4, autosomal dominant. Last evaluated: 2018-01-13. Review status: criteria provided, single submitter. Criteria: ICSL Variant Classification Criteria 13 December 2019. Collection method: clinical testing. Allele origin: germline.
Comment: the same text as in the submission from Illumina Laboratory Services, Illumina above.

Mayo Clinic Laboratories, Mayo Clinic
Classification: Benign. Last evaluated: 2017-07-25. Review status: criteria provided, single submitter. Criteria: ACMG Guidelines, 2015. Collection method: clinical testing. Allele origin: germline. Observed: 148 variant alleles.

GeneDx
Classification: Benign. Last evaluated: 2016-01-28. Review status: criteria provided, single submitter. Criteria: GeneDx Variant Classification (06012015). Collection method: clinical testing. Allele origin: germline. Affected: yes.
Comment: This variant is considered likely benign or benign based on one or more of the following criteria: it is a conservative change, it occurs at a poorly conserved position in the protein, it is predicted to be benign by multiple in silico algorithms, and/or has population frequency not consistent with disease.

Breakthrough Genomics
Classification: Likely benign. Review status: criteria provided, single submitter. Criteria: ACMG Guidelines, 2015. Collection method: not provided. Allele origin: germline. Inheritance: Autosomal recessive inheritance. Affected: yes.

PreventionGenetics, part of Exact Sciences
Classification: Likely benign. Review status: criteria provided, single submitter. Criteria: ACMG Guidelines, 2015. Collection method: clinical testing. Allele origin: germline.

Clinical Genetics DNA and cytogenetics Diagnostics Lab, Erasmus MC, Erasmus Medical Center
Classification: Benign. Review status: no assertion criteria provided. Collection method: clinical testing. Allele origin: germline. Affected: yes. Study: VKGL Data-share Consensus. Not counted in ClinVar's aggregate classification.

Clinical Genetics, Academic Medical Center
Classification: Benign. Review status: no assertion criteria provided. Collection method: clinical testing. Allele origin: germline. Affected: yes. Study: VKGL Data-share Consensus. Not counted in ClinVar's aggregate classification.

Genetic Services Laboratory, University of Chicago
Classification: Likely benign for AllHighlyPenetrant. Review status: no assertion criteria provided. Collection method: clinical testing. Allele origin: germline. Inheritance: Autosomal dominant inheritance. Not counted in ClinVar's aggregate classification.
Comment: Likely benign based on allele frequency in 1000 Genomes Project or ESP global frequency and its presence in a patient with a rare or unrelated disease phenotype. NOT Sanger confirmed.

NM_182961.4(SYNE1):c.24502G>T (p.Ala8168Ser)

Gene: SYNE1 (spectrin repeat containing nuclear envelope protein 1; minus strand). Cytogenetic location: 6q25.2.
Variant type: single nucleotide variant.
Coding change: c.24502G>T on transcript NM_182961.4 (MANE Select); coding-DNA position 24502, G replaced by T.
Protein change: p.Ala8168Ser; replaces alanine 8168 with serine.
Molecular consequence: missense variant.
Genome position (GRCh38, 1-based): chr6:152,149,617, C>A on the plus strand (G>T on the coding strand, the complement: SYNE1 is on the minus strand). VCF-style: chr6-152149617-C-A. GRCh37 (hg19) VCF-style: chr6-152470752-C-A.
Other names: p.Ala8097Ser; c.1108G>T, p.Ala370Ser (NM_001347701.2); c.967G>T, p.Ala323Ser (NM_001347702.2); c.24289G>T, p.Ala8097Ser (NM_033071.5); short protein forms A8097S, A8168S, A370S, A323S.
Identifiers: ClinVar variation 130426 (VCV000130426.24), dbSNP rs17082236, ClinGen allele CA155425.
Genomic context (GRCh38, chr6:152,149,617, plus strand): 5'-CCTCCTCGATGATCGCTGCATCCAAGGGCTCACTCTTTTCTATCAGCTGTTCTCCTTGGG[C>A]AATTATCTGCTCAATCTTATTGTGGTTCAGTGAAATTTCCTGCTGGAAGGCCTAGGGAGT-3'
Protein context (NP_892006.3, residues 8158-8178): LNHNKIEQII[Ala8168Ser]QGEQLIEKSE